The following is an entry in ClinVar:

ClinVar aggregate classification (germline): Benign/Likely benign. Review status: criteria provided, multiple submitters, no conflicts (2 of 4 stars). 3 submissions from 3 submitters: Benign (1); Likely benign (2). Last evaluated 2025-06-09.

Allele frequency attached by ClinVar (database versions not stated): 1000 Genomes Project 30x 0.00016.

Submissions (3):

Athena Diagnostics
Classification: Benign. Last evaluated: 2025-06-09. Review status: criteria provided, single submitter. Criteria: Athena Diagnostics Criteria. Collection method: clinical testing. Allele origin: unknown.
Comment: The frequency of this variant in the general population is higher than would generally be expected for pathogenic variants in this gene. Computational tools yielded predictions that this variant is unlikely to have an effect on normal RNA splicing. This nucleotide position exhibits low evolutionary conservation.

Blueprint Genetics
Classification: Likely benign. Last evaluated: 2024-06-07. Review status: criteria provided, single submitter. Criteria: ACMG Guidelines, 2015. Collection method: clinical testing. Allele origin: germline.

Labcorp Genetics (formerly Invitae), Labcorp
Classification: Likely benign. Last evaluated: 2023-04-12. Review status: criteria provided, single submitter. Criteria: Invitae Variant Classification Sherloc (09022015). Collection method: clinical testing. Allele origin: germline.

Literature cited by the submitters: PubMed 25081214 (cited by Athena Diagnostics).

NM_001961.4(EEF2):c.1908C>T (p.Ala636=)

Gene: EEF2 (eukaryotic translation elongation factor 2; minus strand). Cytogenetic location: 19p13.3.
Variant type: single nucleotide variant.
Coding change: c.1908C>T on transcript NM_001961.4 (MANE Select); coding-DNA position 1908, C replaced by T.
Protein change: p.Ala636=; no amino-acid change (alanine 636 retained).
Molecular consequence: synonymous variant.
Genome position (GRCh38, 1-based): chr19:3,977,978, G>A on the plus strand (C>T on the coding strand, the complement: EEF2 is on the minus strand). VCF-style: chr19-3977978-G-A. GRCh37 (hg19) VCF-style: chr19-3977976-G-A.
Other names: c.1908C>T (NM_001961.3).
Identifiers: ClinVar variation 2721429 (VCV002721429.5), dbSNP rs139427550, ClinGen allele CA9088730.